The following is an entry in ClinVar:

ClinVar aggregate classification (germline): Pathogenic (1 of 4 stars; one submission).

Submission:

Labcorp Genetics (formerly Invitae), Labcorp
Classification: Pathogenic. Last evaluated: 2023-11-09. Review status: criteria provided, single submitter. Criteria: Invitae Variant Classification Sherloc (09022015). Collection method: clinical testing. Allele origin: unknown.
Comment: This variant is a gross deletion of the genomic region encompassing exon(s) 7-14 of the OCA2 gene. This deletion is out-of-frame, and is expected to create a premature termination codon and result in an absent or disrupted protein product. Loss-of-function variants in OCA2 are known to be pathogenic (PMID: 19865097, 21541274). This variant has not been reported in the literature in individuals affected with OCA2-related conditions. For these reasons, this variant has been classified as Pathogenic.

Literature cited by the submitters: PubMed 19865097; PubMed 21541274.

NC_000015.9:g.(?_28228471)_(28263743_?)del

Gene: OCA2 (OCA2 melanosomal transmembrane protein; minus strand). Cytogenetic location: 15q13.1.
Variant type: Deletion.
Identifiers: ClinVar variation 3243852 (VCV003243852.1).